The following is an entry in ClinVar:

ClinVar aggregate classification (germline): Pathogenic (1 of 4 stars; one submission).

Submission:

Labcorp Genetics (formerly Invitae), Labcorp
Classification: Pathogenic. Last evaluated: 2021-08-08. Review status: criteria provided, single submitter. Criteria: Invitae Variant Classification Sherloc (09022015). Collection method: clinical testing. Allele origin: germline.
Comment: This sequence change creates a premature translational stop signal (p.Arg326*) in the MUT gene. It is expected to result in an absent or disrupted protein product. Loss-of-function variants in MUT are known to be pathogenic (PMID: 15781192). This variant is not present in population databases (ExAC no frequency). This premature translational stop signal has been observed in individual(s) with MUT-related conditions (PMID: 31622506). For these reasons, this variant has been classified as Pathogenic.

Literature cited by the submitters: PubMed 15781192; PubMed 31622506.

NM_000255.4(MMUT):c.976A>T (p.Arg326Ter)

Gene: MMUT (methylmalonyl-CoA mutase; minus strand). Cytogenetic location: 6p12.3.
Variant type: single nucleotide variant.
Coding change: c.976A>T on transcript NM_000255.4 (MANE Select); coding-DNA position 976, A replaced by T.
Protein change: p.Arg326Ter; replaces arginine 326 with a stop codon.
Molecular consequence: nonsense.
Genome position (GRCh38, 1-based): chr6:49,453,692, T>A on the plus strand (A>T on the coding strand, the complement: MMUT is on the minus strand). VCF-style: chr6-49453692-T-A. GRCh37 (hg19) VCF-style: chr6-49421405-T-A.
Other names: short protein forms R326*.
Identifiers: ClinVar variation 1406625 (VCV001406625.6), dbSNP rs1085308002, ClinGen allele CA364400750.